The following is an entry in ClinVar:

NM_001165963.4(SCN1A):c.2416-37A>C

Gene: SCN1A (sodium voltage-gated channel alpha subunit 1; minus strand). Cytogenetic location: 2q24.3.
Variant type: single nucleotide variant.
Coding change: c.2416-37A>C on transcript NM_001165963.4 (MANE Select); 37 bases into the intron before coding-DNA position 2416, A replaced by C.
Molecular consequence: intron variant.
Genome position (GRCh38, 1-based): chr2:166,039,633, T>G on the plus strand (A>C on the coding strand, the complement: SCN1A is on the minus strand). VCF-style: chr2-166039633-T-G. GRCh37 (hg19) VCF-style: chr2-166896143-T-G.
Other names: c.2383-37A>C (NM_001353949.2, NM_001353950.2, NM_001353951.2 and 2 more transcripts); c.2332-37A>C (NM_001353958.2, NM_001353957.2, NM_001165964.3); c.2416-37A>C (NM_001202435.3, NM_001353948.2); c.2380-37A>C (NM_001353955.2, NM_001353954.2); c.2329-37A>C (NM_001353960.2); c.-27-37A>C (NM_001353961.2).
Identifiers: ClinVar variation 3255232 (VCV003255232.2), dbSNP rs2126152.

ClinVar aggregate classification (germline): Benign (1 of 4 stars; one submission).

Allele frequency attached by ClinVar (database versions not stated): ESP Exome Variant Server 0.72321; gnomAD 0.73898; TOPMed 0.74053; 1000 Genomes Project 30x 0.78795; 1000 Genomes Project 0.78934.
gnomAD v4.1: 1,104,325 of 1,561,032 alleles (71%); highest among the groups gnomAD compares: East Asian, 89%; 393,177 homozygotes.

Submission:

Unidad de Genómica Garrahan, Hospital de Pediatría Garrahan
Classification: Benign. Last evaluated: 2024-07-15. Review status: criteria provided, single submitter. Criteria: ACMG Guidelines, 2015. Collection method: clinical testing. Allele origin: germline. Affected: no. Observed: 81 variant alleles.
Comment: This variant is classified as Benign based on local population frequency. This variant was detected in 87% of patients studied in a panel designed for Epileptic and Developmental Encephalopathy and Progressive Myoclonus Epilepsy. Number of patients: 81. Only high quality variants are reported.